The following is an entry in ClinVar:

ClinVar aggregate classification (germline): Benign/Likely benign. Review status: criteria provided, multiple submitters, no conflicts (2 of 4 stars). 21 submissions from 19 submitters: Benign (13); Likely benign (6). 2 of the submissions do not count toward it. Last evaluated 2026-02-04.

Conditions:
Hypertrophic cardiomyopathy. Also called: HYPERTROPHIC MYOCARDIOPATHY. Identifiers: Orphanet 217569, MedGen C0007194, MeSH D002312, MONDO:0005045, HP:0001639.
Long QT syndrome (LQTS). Identifiers: MedGen C0023976, MeSH D008133, MONDO:0002442. Disease mechanism: loss of function. Inheritance: Various modes of inheritance.
Ventricular tachycardia. Identifiers: MedGen C0042514, MONDO:0005477, HP:0004756.
Cardiomyopathy, dilated, with wooly hair, keratoderma, and tooth agenesis. Also called: Erythrokeratodermia-cardiomyopathy syndrome; Cardiomyopathy, dilated, with woolly hair, keratoderma, and tooth agenesis. Identifiers: Orphanet 476096, Orphanet 65282, MedGen C4014393, MONDO:0014355, OMIM 615821.
Lethal acantholytic epidermolysis bullosa (EBLA). Identifiers: Orphanet 158687, MedGen C1864826, MONDO:0012323, OMIM 609638.
Woolly hair-skin fragility syndrome (WHSF). Identifiers: Orphanet 293165, MedGen C1843292, MONDO:0957307, OMIM 620415.
Arrhythmogenic cardiomyopathy with wooly hair and keratoderma. Also called: PALMOPLANTAR KERATODERMA WITH LEFT VENTRICULAR CARDIOMYOPATHY AND WOOLLY HAIR; Carvajal syndrome; Dilated cardiomyopathy with woolly hair and keratoderma; Arrhythmogenic cardiomyopathy with woolly hair and keratoderma. Identifiers: Orphanet 65282, MedGen C1854063, MONDO:0011581, OMIM 605676.
Arrhythmogenic right ventricular dysplasia 8 (ARVD8). Also called: Arrhythmogenic Right Ventricular Dysplasia/Cardiomyopathy 8; ARRHYTHMOGENIC RIGHT VENTRICULAR DYSPLASIA, FAMILIAL, 8; ARRHYTHMOGENIC RIGHT VENTRICULAR CARDIOMYOPATHY 8. Identifiers: MedGen C1843896, MONDO:0011831, OMIM 607450.
Keratosis palmoplantaris striata 2. Also called: KERATODERMA, PALMOPLANTAR, STRIATE FORM II; STRIATE PALMOPLANTAR KERATODERMA II; Keratosis palmoplantaris striata II. Identifiers: MedGen C1852127, MONDO:0013034, OMIM 612908.
Cardiovascular phenotype. Identifiers: MedGen CN230736.
Arrhythmogenic right ventricular cardiomyopathy (ARVD). Also called: Arrhythmogenic Right Ventricular Cardiomyopathy (ARVC); Cardiomyopathy, ARVC; Arrhythmogenic cardiomyopathy; Arrhythmogenic right ventricular dysplasia. Identifiers: Orphanet 247, MedGen C0349788, MeSH D019571, MONDO:0016587. Disease mechanism: loss of function. Inheritance: Various modes of inheritance.
Cardiomyopathy (CMYO). Also called: Cardiomyopathies. Identifiers: Orphanet 167848, MedGen C0878544, MONDO:0004994, HP:0001638. Inheritance: Various modes of inheritance.

Allele frequency attached by ClinVar (database versions not stated): ESP Exome Variant Server 0.00015; gnomAD 0.00077 and 0.00094; TOPMed 0.00122; ExAC 0.00216; gnomAD exomes 0.00217; 1000 Genomes Project 30x 0.00422; 1000 Genomes Project 0.00459.
gnomAD v4.1: 1,058 of 1,613,942 alleles (0.066%); highest among the groups gnomAD compares: East Asian, 1.8%; 12 homozygotes.

Submissions (21):

Labcorp Genetics (formerly Invitae), Labcorp
Classification: Benign for Arrhythmogenic cardiomyopathy with wooly hair and keratoderma; Arrhythmogenic right ventricular dysplasia 8. Last evaluated: 2026-02-04. Review status: criteria provided, single submitter. Criteria: Invitae Variant Classification Sherloc (09022015). Collection method: clinical testing. Allele origin: germline.

CeGaT Center for Human Genetics Tuebingen
Classification: Likely benign. Last evaluated: 2025-12-01. Review status: criteria provided, single submitter. Criteria: CeGaT Center For Human Genetics Tuebingen Variant Classification Criteria Version 2. Collection method: clinical testing. Allele origin: germline. Affected: yes. Observed: 4 variant alleles.
Comment: DSP: BP4, BS1

Molecular Diagnostic Laboratory for Inherited Cardiovascular Disease, Montreal Heart Institute
Classification: Likely benign. Last evaluated: 2025-02-17. Review status: criteria provided, single submitter. Criteria: ACMG Guidelines, 2015. Collection method: clinical testing. Allele origin: germline. Affected: no.
Comment: BS1;BP4;BP6

Mayo Clinic Laboratories, Mayo Clinic
Classification: Benign. Last evaluated: 2025-01-21. Review status: criteria provided, single submitter. Criteria: ACMG Guidelines, 2015. Collection method: clinical testing. Allele origin: germline. Observed: 1 variant allele.
Comment: BS1, BS2, BP4_moderate

Blueprint Genetics
Classification: Likely benign. Last evaluated: 2024-11-21. Review status: criteria provided, single submitter. Criteria: ACMG Guidelines, 2015. Collection method: clinical testing. Allele origin: germline.

ARUP Laboratories, Molecular Genetics and Genomics, ARUP Laboratories
Classification: Benign. Last evaluated: 2023-10-06. Review status: criteria provided, single submitter. Criteria: ARUP Molecular Germline Variant Investigation Process 2024. Collection method: clinical testing. Allele origin: germline.

Fulgent Genetics
Classification: Likely benign for Arrhythmogenic cardiomyopathy with wooly hair and keratoderma; Arrhythmogenic right ventricular dysplasia 8; Lethal acantholytic epidermolysis bullosa; Keratosis palmoplantaris striata 2; Cardiomyopathy, dilated, with wooly hair, keratoderma, and tooth agenesis. Last evaluated: 2021-08-03. Review status: criteria provided, single submitter. Criteria: ACMG Guidelines, 2015. Collection method: clinical testing. Allele origin: unknown.

Center for Advanced Laboratory Medicine, UC San Diego Health, University of California San Diego
Classification: Benign for Ventricular tachycardia; Long QT Syndrome; Hypertrophic cardiomyopathy. Last evaluated: 2019-04-01. Review status: criteria provided, single submitter. Criteria: ACMG Guidelines, 2015. Collection method: clinical testing. Allele origin: germline. Affected: yes. Observed: 3 variant alleles.

Color Diagnostics, LLC DBA Color Health
Classification: Benign for Cardiomyopathy. Last evaluated: 2018-06-11. Review status: criteria provided, single submitter. Criteria: ACMG Guidelines, 2015. Collection method: clinical testing. Allele origin: germline.

Women's Health and Genetics/Laboratory Corporation of America, LabCorp
Classification: Benign. Last evaluated: 2018-05-29. Review status: criteria provided, single submitter. Criteria: LabCorp Variant Classification Summary - May 2015. Collection method: clinical testing. Allele origin: germline.
Comment: Variant summary: DSP c.8605A>G (p.Ile2869Val) results in a conservative amino acid change in the encoded protein sequence. Five of five in-silico tools predict a benign effect of the variant on protein function. The variant allele was found at a frequency of 0.0021 in 275770 control chromosomes, predominantly at a frequency of 0.027 within the East Asian subpopulation in the gnomAD database, including 6 homozygotes. The observed variant frequency within East Asian control individuals in the gnomAD database is approximately 1080-folds higher than the estimated maximal expected allele frequency for a pathogenic variant in DSP causing Cardiomyopathy phenotype (2.5e-05), strongly suggesting that the variant is a benign polymorphism found primarily in populations of East Asian origin. The variant, c.8605A>G, has been reported in the literature in individuals affected with ARVC and sudden death (Bao_2013, Neubauer_2016, Suktitipat_2017, Ng_2013). These report(s) do not provide unequivocal conclusions about association of the variant with Cardiomyopathy. To our knowledge, no experimental evidence demonstrating an impact on protein function has been reported. Multiple ClinVar submissions from clinical diagnostic laboratories cite the variant as "likely benign/benign." Based on the evidence outlined above, the variant was classified as benign.

Illumina Laboratory Services, Illumina
Classification: Benign for Arrhythmogenic cardiomyopathy with wooly hair and keratoderma. Last evaluated: 2018-01-13. Review status: criteria provided, single submitter. Criteria: ICSL Variant Classification Criteria 13 December 2019. Collection method: clinical testing. Allele origin: germline.
Comment: This variant was observed in the ICSL laboratory as part of a predisposition screen in an ostensibly healthy population. It had not been previously curated by ICSL or reported in the Human Gene Mutation Database (HGMD: prior to June 1st, 2018), and was therefore a candidate for classification through an automated scoring system. Utilizing variant allele frequency, disease prevalence and penetrance estimates, and inheritance mode, an automated score was calculated to assess if this variant is too frequent to cause the disease. Based on the score and internal cut-off values, a variant classified as benign is not then subjected to further curation. The score for this variant resulted in a classification of benign for this disease.

Illumina Laboratory Services, Illumina
Classification: Likely benign for Arrhythmogenic right ventricular dysplasia 8. Last evaluated: 2018-01-13. Review status: criteria provided, single submitter. Criteria: ICSL Variant Classification Criteria 13 December 2019. Collection method: clinical testing. Allele origin: germline.
Comment: This variant was observed in the ICSL laboratory as part of a predisposition screen in an ostensibly healthy population. It had not been previously curated by ICSL or reported in the Human Gene Mutation Database (HGMD: prior to June 1st, 2018), and was therefore a candidate for classification through an automated scoring system. Utilizing variant allele frequency, disease prevalence and penetrance estimates, and inheritance mode, an automated score was calculated to assess if this variant is too frequent to cause the disease. Based on the score and internal cut-off values, a variant classified as likely benign is not then subjected to further curation. The score for this variant resulted in a classification of likely benign for this disease.

Illumina Laboratory Services, Illumina
Classification: Benign for Lethal acantholytic epidermolysis bullosa. Last evaluated: 2018-01-13. Review status: criteria provided, single submitter. Criteria: ICSL Variant Classification Criteria 13 December 2019. Collection method: clinical testing. Allele origin: germline.
Comment: the same text as in the submission from Illumina Laboratory Services, Illumina above.

CHEO Genetics Diagnostic Laboratory, Children's Hospital of Eastern Ontario
Classification: Benign for Cardiomyopathy. Last evaluated: 2015-11-06. Review status: criteria provided, single submitter. Criteria: ACMG Guidelines, 2015. Collection method: clinical testing. Allele origin: germline. Study: Canadian Open Genetics Repository.

Genomic Diagnostic Laboratory, Division of Genomic Diagnostics, Children's Hospital of Philadelphia
Classification: Likely benign for Arrhythmogenic right ventricular cardiomyopathy. Last evaluated: 2015-05-14. Review status: criteria provided, single submitter. Criteria: DGD Variant Analysis Guidelines. Collection method: clinical testing. Allele origin: unknown.

Ambry Genetics
Classification: Benign for Cardiovascular phenotype. Last evaluated: 2015-03-23. Review status: criteria provided, single submitter. Criteria: Ambry Variant Classification Scheme 2023. Collection method: clinical testing. Allele origin: germline.

Laboratory for Molecular Medicine, Mass General Brigham Personalized Medicine
Classification: Benign. Last evaluated: 2015-03-23. Review status: criteria provided, single submitter. Criteria: LMM Criteria. Collection method: clinical testing. Allele origin: germline. Observed: 4 variant alleles.
Comment: p.Ile2869Val in exon 24 of DSP: This variant is not expected to have clinical si gnificance because it has been identified in 2.7% (228/8370) of East Asian chrom osomes by the Exome Aggregation Consortium (ExAC ; dbSNP rs28763971).

Biesecker Lab/Clinical Genomics Section, National Institutes of Health
Classification: Benign. Last evaluated: 2013-06-24. Review status: criteria provided, single submitter. Criteria: Ng et al. (Circ Cardiovasc Genet. 2013). Collection method: research. Allele origin: unknown. Observed: 2 variant alleles. Study: ClinSeq.
Comment: The study set was not selected for affection status in relation to any cancer. Pathogenicity categories were based on literature curation. See Pubmed ID:23861362 for details.

Medical sequencing

GeneDx
Classification: Benign. Last evaluated: 2013-01-13. Review status: criteria provided, single submitter. Criteria: GeneDx Variant Classification (06012015). Collection method: clinical testing. Allele origin: germline. Affected: yes.
Comment: This variant is considered likely benign or benign based on one or more of the following criteria: it is a conservative change, it occurs at a poorly conserved position in the protein, it is predicted to be benign by multiple in silico algorithms, and/or has population frequency not consistent with disease.

Clinical Genetics, Academic Medical Center
Classification: Benign. Review status: no assertion criteria provided. Collection method: clinical testing. Allele origin: germline. Affected: yes. Study: VKGL Data-share Consensus. Not counted in ClinVar's aggregate classification.

Genome Diagnostics Laboratory, University Medical Center Utrecht
Classification: Benign. Review status: no assertion criteria provided. Collection method: clinical testing. Allele origin: germline. Affected: yes. Study: VKGL Data-share Consensus. Not counted in ClinVar's aggregate classification.

Literature cited by the submitters: PubMed 26846766 (cited by Mayo Clinic Laboratories, Mayo Clinic); PubMed 23861362 (cited by Women's Health and Genetics/Laboratory Corporation of America, LabCorp); PubMed 24125834 (cited by Women's Health and Genetics/Laboratory Corporation of America, LabCorp).

NM_004415.4(DSP):c.8605A>G (p.Ile2869Val)

Gene: DSP (desmoplakin; plus strand). Cytogenetic location: 6p24.3.
Variant type: single nucleotide variant.
Coding change: c.8605A>G on transcript NM_004415.4 (MANE Select); coding-DNA position 8605, A replaced by G.
Protein change: p.Ile2869Val; replaces isoleucine 2869 with valine.
Molecular consequence: missense variant.
Genome position (GRCh38, 1-based): chr6:7,585,867, A>G. VCF-style: chr6-7585867-A-G. GRCh37 (hg19) VCF-style: chr6-7586100-A-G.
Other names: p.I2869V:ATT>GTT; c.6808A>G, p.Ile2270Val (NM_001008844.3); c.7276A>G, p.Ile2426Val (NM_001319034.2); c.8605A>G (NM_004415.3); short protein forms I2869V, I2270V, I2426V.
Identifiers: ClinVar variation 137173 (VCV000137173.65), dbSNP rs28763971, ClinGen allele CA007748.